The following is an entry in ClinVar:

NM_014669.5(NUP93):c.1167C>G (p.Ala389=)

Gene: NUP93 (nucleoporin 93; plus strand). Cytogenetic location: 16q13.
Variant type: single nucleotide variant.
Coding change: c.1167C>G on transcript NM_014669.5 (MANE Select); coding-DNA position 1167, C replaced by G.
Protein change: p.Ala389=; no amino-acid change (alanine 389 retained).
Molecular consequence: synonymous variant.
Genome position (GRCh38, 1-based): chr16:56,831,923, C>G. VCF-style: chr16-56831923-C-G. GRCh37 (hg19) VCF-style: chr16-56865835-C-G.
Other names: c.798C>G, p.Ala266= (NM_001242795.2, NM_001242796.2).
Identifiers: ClinVar variation 3028930 (VCV003028930.2), dbSNP rs773601636, ClinGen allele CA495599287.

ClinVar aggregate classification (germline): Likely benign (0 of 4 stars; one submission).

Conditions:
NUP93-related disorder. Also called: NUP93-related condition.

Submission:

PreventionGenetics, part of Exact Sciences
Classification: Likely benign for NUP93-related condition. Last evaluated: 2021-10-12. Review status: no assertion criteria provided. Collection method: clinical testing. Allele origin: germline.
Comment: This variant is classified as likely benign based on ACMG/AMP sequence variant interpretation guidelines (Richards et al. 2015 PMID: 25741868, with internal and published modifications).